The following is an entry in ClinVar:

NM_003072.5(SMARCA4):c.1695G>A (p.Thr565=)

Gene: SMARCA4 (SWI/SNF related BAF chromatin remodeling complex subunit ATPase 4; plus strand). Cytogenetic location: 19p13.2.
Variant type: single nucleotide variant.
Coding change: c.1695G>A on transcript NM_003072.5 (MANE Select); coding-DNA position 1695, G replaced by A.
Protein change: p.Thr565=; no amino-acid change (threonine 565 retained).
Molecular consequence: synonymous variant. On other transcripts: non-coding transcript variant (1).
Genome position (GRCh38, 1-based): chr19:10,996,314, G>A. VCF-style: chr19-10996314-G-A. GRCh37 (hg19) VCF-style: chr19-11106990-G-A.
Other names: c.1695G>A, p.Thr565= (NM_001128844.3, NM_001128845.2, NM_001128846.2 and 5 more transcripts).
Identifiers: ClinVar variation 480670 (VCV000480670.19), dbSNP rs1173206989, ClinGen allele CA505744124.

ClinVar aggregate classification (germline): Benign/Likely benign. Review status: criteria provided, multiple submitters, no conflicts (2 of 4 stars). 4 submissions from 4 submitters: Benign (1); Likely benign (3). Last evaluated 2026-07-10.

Conditions:
Hereditary cancer-predisposing syndrome. Also called: Tumor predisposition; Neoplastic Syndromes, Hereditary; Hereditary Cancer Syndrome; Hereditary neoplastic syndrome. Identifiers: Orphanet 140162, MedGen C0027672, MeSH D009386, MONDO:0015356.
Intellectual disability, autosomal dominant 16 (CSS4). Also called: COFFIN-SIRIS SYNDROME 4. Identifiers: Orphanet 1465, MedGen C3553249, MONDO:0013821, OMIM 614609.
Rhabdoid tumor predisposition syndrome 2 (RTPS2). Identifiers: Orphanet 231108, Orphanet 69077, MedGen C2750074, MONDO:0013224, OMIM 613325.

Allele frequency attached by ClinVar (database versions not stated): gnomAD exomes 0.00001.
gnomAD v4.1: 9 of 1,614,222 alleles (0.00056%); highest among the groups gnomAD compares: Non-Finnish European, 0.00025%; no homozygotes.

Submissions (4):

Myriad Genetics, Inc.
Classification: Benign for Rhabdoid tumor predisposition syndrome 2. Last evaluated: 2026-07-10. Review status: criteria provided, single submitter. Criteria: Myriad Autosomal Dominant, Autosomal Recessive and X-Linked Classification Criteria (2023). Collection method: clinical testing. Allele origin: unknown.
Comment: This variant is considered benign. This variant is a silent/synonymous amino acid change and it is not expected to impact splicing.

Labcorp Genetics (formerly Invitae), Labcorp
Classification: Likely benign for Rhabdoid tumor predisposition syndrome 2. Last evaluated: 2024-12-24. Review status: criteria provided, single submitter. Criteria: Invitae Variant Classification Sherloc (09022015). Collection method: clinical testing. Allele origin: germline.

Genome-Nilou Lab
Classification: Likely benign for Intellectual disability, autosomal dominant 16. Last evaluated: 2021-07-15. Review status: criteria provided, single submitter. Criteria: ACMG Guidelines, 2015. Collection method: clinical testing. Allele origin: germline. Affected: no.

Ambry Genetics
Classification: Likely benign for Hereditary cancer-predisposing syndrome. Last evaluated: 2017-01-24. Review status: criteria provided, single submitter. Criteria: Ambry Variant Classification Scheme 2023. Collection method: clinical testing. Allele origin: germline.